The following is an entry in ClinVar:

NM_033305.3(VPS13A):c.7078G>A (p.Glu2360Lys)

Gene: VPS13A (vacuolar protein sorting 13 homolog A; plus strand). Cytogenetic location: 9q21.2.
Variant type: single nucleotide variant.
Coding change: c.7078G>A on transcript NM_033305.3 (MANE Select); coding-DNA position 7078, G replaced by A.
Protein change: p.Glu2360Lys; replaces glutamic acid 2360 with lysine.
Molecular consequence: missense variant.
Genome position (GRCh38, 1-based): chr9:77,344,204, G>A. VCF-style: chr9-77344204-G-A. GRCh37 (hg19) VCF-style: chr9-79959120-G-A.
Other names: c.6961G>A, p.Glu2321Lys (NM_001018037.2); c.7078G>A, p.Glu2360Lys (NM_001018038.3, NM_015186.4); short protein forms E2360K, E2321K.
Identifiers: ClinVar variation 367407 (VCV000367407.53), dbSNP rs370401336, ClinGen allele CA5093209.

ClinVar aggregate classification (germline): Conflicting classifications of pathogenicity. Review status: criteria provided, conflicting classifications (1 of 4 stars). 5 submissions from 5 submitters: Uncertain significance (2); Likely benign (1). 2 of the submissions do not count toward it. Last evaluated 2026-01-10.

Conditions:
VPS13A-related neurodegenerative disease. Also called: VPS13A Disease; Choreaacanthocytosis; Choreoacanthocytosis; Chorea-acanthocytosis; ACANTHOCYTOSIS WITH NEUROLOGIC DISORDER; LEVINE-CRITCHLEY SYNDROME. Identifiers: Orphanet 2388, MedGen C0393576, MONDO:0008695, OMIM 200150.
VPS13A-related disorder. Also called: VPS13A-related condition.

Allele frequency attached by ClinVar (database versions not stated): gnomAD 0.00002 and 0.00012; TOPMed 0.00007; ESP Exome Variant Server 0.00008; gnomAD exomes 0.00048; ExAC 0.00057.
gnomAD v4.1: 419 of 1,612,360 alleles (0.026%); highest among the groups gnomAD compares: South Asian, 0.36%; 6 homozygotes.

Submissions (5):

Labcorp Genetics (formerly Invitae), Labcorp
Classification: Likely benign. Last evaluated: 2026-01-10. Review status: criteria provided, single submitter. Criteria: Invitae Variant Classification Sherloc (09022015). Collection method: clinical testing. Allele origin: germline.

Blueprint Genetics
Classification: Uncertain significance. Last evaluated: 2024-09-19. Review status: criteria provided, single submitter. Criteria: ACMG Guidelines, 2015. Collection method: clinical testing. Allele origin: germline.

CeGaT Center for Human Genetics Tuebingen
Classification: Uncertain significance. Last evaluated: 2021-05-01. Review status: criteria provided, single submitter. Criteria: CeGaT Center For Human Genetics Tuebingen Variant Classification Criteria Version 2. Collection method: clinical testing. Allele origin: germline. Affected: yes. Observed: 1 variant allele.

PreventionGenetics, part of Exact Sciences
Classification: Likely benign for VPS13A-related condition. Last evaluated: 2022-05-06. Review status: no assertion criteria provided. Collection method: clinical testing. Allele origin: germline. Not counted in ClinVar's aggregate classification.
Comment: This variant is classified as likely benign based on ACMG/AMP sequence variant interpretation guidelines (Richards et al. 2015 PMID: 25741868, with internal and published modifications).

Natera, Inc.
Classification: Likely benign for Choreaacanthocytosis. Last evaluated: 2019-11-11. Review status: no assertion criteria provided. Collection method: clinical testing. Allele origin: germline. Not counted in ClinVar's aggregate classification.